The following is an entry in ClinVar:

ClinVar aggregate classification (germline): Pathogenic/Likely pathogenic. Review status: criteria provided, multiple submitters, no conflicts (2 of 4 stars). 3 submissions from 3 submitters: Pathogenic (2); Likely pathogenic (1). Last evaluated 2025-12-01.

Conditions:
Wilson disease (WND). Also called: Wilson's disease. Identifiers: Orphanet 905, MedGen C0019202, MONDO:0010200, OMIM 277900. Disease mechanism: loss of function.

gnomAD v4.1: 3 of 1,614,160 alleles (0.00019%); highest among the groups gnomAD compares: Non-Finnish European, 0.00025%; no homozygotes.

Submissions (3):

CeGaT Center for Human Genetics Tuebingen
Classification: Pathogenic. Last evaluated: 2025-12-01. Review status: criteria provided, single submitter. Criteria: CeGaT Center For Human Genetics Tuebingen Variant Classification Criteria Version 2. Collection method: clinical testing. Allele origin: germline. Affected: yes. Observed: 1 variant allele.
Comment: ATP7B: PM1, PM2, PM5, PP4:Moderate, PM3:Supporting, PP3

Lildballe Lab, Aarhus University Hospital
Classification: Pathogenic for Wilson disease. Last evaluated: 2024-08-29. Review status: criteria provided, single submitter. Criteria: ACMG Guidelines, 2015. Collection method: clinical testing. Allele origin: germline. Affected: yes.
Comment: PM1, PM5, PP3, PM2

All of Us Research Program, National Institutes of Health
Classification: Likely pathogenic for Wilson disease. Last evaluated: 2024-06-11. Review status: criteria provided, single submitter. Criteria: ACMG Guidelines, 2015. Collection method: clinical testing. Allele origin: germline. Inheritance: Autosomal recessive inheritance. Observed: 1 variant allele, 1 heterozygote.
Comment: This study involves interpretation of variants in research participants for the purpose of population health screening. Participant phenotype was not available at the time of variant classification. Additional details can be found in publication PMID: 35346344, PMCID: PMC8962531

NM_000053.4(ATP7B):c.2293G>C (p.Asp765His)

Gene: ATP7B (ATPase copper transporting beta; minus strand). Cytogenetic location: 13q14.3.
Variant type: single nucleotide variant.
Coding change: c.2293G>C on transcript NM_000053.4 (MANE Select); coding-DNA position 2293, G replaced by C.
Protein change: p.Asp765His; replaces aspartic acid 765 with histidine.
Molecular consequence: missense variant. On other transcripts: intron variant (14).
Genome position (GRCh38, 1-based): chr13:51,958,373, C>G on the plus strand (G>C on the coding strand, the complement: ATP7B is on the minus strand). VCF-style: chr13-51958373-C-G. GRCh37 (hg19) VCF-style: chr13-52532509-C-G.
Other names: c.2293G>C, p.Asp765His (NM_001406512.1, NM_001406513.1, NM_001406515.1 and 7 more transcripts); c.2260G>C, p.Asp754His (NM_001406514.1); c.2197G>C, p.Asp733His (NM_001406517.1, NM_001406518.1); c.2149G>C, p.Asp717His (NM_001406520.1, NM_001406521.1, NM_001406537.1 and 1 more transcripts); c.1864G>C, p.Asp622His (NM_001406539.1); c.2041G>C, p.Asp681His (NM_001406540.1, NM_001330579.2, NM_001406531.1 and 1 more transcripts); c.1945G>C, p.Asp649His (NM_001406543.1); c.1870-766G>C (NM_001406541.1, NM_001005918.3, NM_001406546.1 and 1 more transcripts); and 8 more; short protein forms D622H, D649H, D654H, D681H, D685H, D706H, D717H, D733H.
Identifiers: ClinVar variation 3387730 (VCV003387730.7).
Genomic context (GRCh38, chr13:51,958,373, plus strand): 5'-TTGCCAAGTGTTCCAGCCACCGGCCCAGGGCAATGAACACAAAGAGCATGGGGGGCGTGT[C>G]GAAGAATGTCACAGGGCTCCTCTCCGCCTTCTCAGCCACAGCAACCACCAGGATGACCAG-3'
Protein context (NP_000044.2, residues 755-775): KAERSPVTFF[Asp765His]TPPMLFVFIA